The following is an entry in ClinVar:

ClinVar aggregate classification (germline): Uncertain significance. Review status: criteria provided, multiple submitters, no conflicts (2 of 4 stars). 2 submissions from 2 submitters: Uncertain significance (2). Last evaluated 2025-06-23.

Allele frequency attached by ClinVar (database versions not stated): gnomAD exomes below 0.00001; gnomAD 0.00001; TOPMed 0.00001.
gnomAD v4.1: 3 of 1,504,814 alleles (0.0002%); highest among the groups gnomAD compares: African/African-American, 0.0014%; no homozygotes.

Submissions (2):

Ambry Genetics
Classification: Uncertain significance. Last evaluated: 2025-06-23. Review status: criteria provided, single submitter. Criteria: Ambry Variant Classification Scheme 2023. Collection method: clinical testing. Allele origin: germline.

Labcorp Genetics (formerly Invitae), Labcorp
Classification: Uncertain significance. Last evaluated: 2023-07-28. Review status: criteria provided, single submitter. Criteria: Invitae Variant Classification Sherloc (09022015). Collection method: clinical testing. Allele origin: germline.
Comment: This sequence change replaces proline, which is neutral and non-polar, with leucine, which is neutral and non-polar, at codon 2048 of the DSCAML1 protein (p.Pro2048Leu). In summary, the available evidence is currently insufficient to determine the role of this variant in disease. Therefore, it has been classified as a Variant of Uncertain Significance. An algorithm developed to predict the effect of missense changes on protein structure and function (PolyPhen-2) suggests that this variant is likely to be tolerated. This variant has not been reported in the literature in individuals affected with DSCAML1-related conditions. This variant is not present in population databases (gnomAD no frequency).

NM_020693.4(DSCAML1):c.5963C>T (p.Pro1988Leu)

Gene: DSCAML1 (DS cell adhesion molecule like 1; minus strand). Cytogenetic location: 11q23.3.
Variant type: single nucleotide variant.
Coding change: c.5963C>T on transcript NM_020693.4 (MANE Select); coding-DNA position 5963, C replaced by T.
Protein change: p.Pro1988Leu; replaces proline 1988 with leucine.
Molecular consequence: missense variant.
Genome position (GRCh38, 1-based): chr11:117,428,527, G>A on the plus strand (C>T on the coding strand, the complement: DSCAML1 is on the minus strand). VCF-style: chr11-117428527-G-A. GRCh37 (hg19) VCF-style: chr11-117299243-G-A.
Other names: c.6143C>T (NM_020693.2); short protein forms P1988L.
Identifiers: ClinVar variation 2989124 (VCV002989124.4), dbSNP rs2047710804, ClinGen allele CA382751073.